The following is an entry in ClinVar:

ClinVar aggregate classification (germline): Likely benign (1 of 4 stars; one submission).

Conditions:
GNAS-related disorder. Identifiers: MedGen CN380105.

gnomAD v4.1: 12 of 1,613,892 alleles (0.00074%); highest among the groups gnomAD compares: East Asian, 0.027%; no homozygotes.

Submission:

PreventionGenetics, part of Exact Sciences
Classification: Likely benign for GNAS-related condition. Last evaluated: 2025-11-11. Review status: criteria provided, single submitter. Criteria: ACMG Guidelines, 2015. Collection method: clinical testing. Allele origin: germline.
Comment: This variant is classified as likely benign based on ACMG/AMP sequence variant interpretation guidelines (Richards et al. 2015 PMID: 25741868, with internal and published modifications).

NM_080425.4(GNAS):c.451C>T (p.Leu151=)

Gene: GNAS (GNAS complex locus; plus strand). Cytogenetic location: 20q13.32.
Variant type: single nucleotide variant.
Coding change: c.451C>T on transcript NM_080425.4 (MANE Plus Clinical); coding-DNA position 451, C replaced by T.
Protein change: p.Leu151=; no amino-acid change (leucine 151 retained).
Molecular consequence: synonymous variant. On other transcripts: intron variant (3).
Genome position (GRCh38, 1-based): chr20:58,853,716, C>T. VCF-style: chr20-58853716-C-T. GRCh37 (hg19) VCF-style: chr20-57428771-C-T.
Other names: c.264C>T, p.Ala88= (NM_001077490.3, NM_001309883.1); c.451C>T, p.Leu151= (NM_001410913.1); c.*42+12830C>T (NM_016592.5); c.43+12830C>T (NM_001410912.1); c.-39+11841C>T (NM_001309861.2).
Identifiers: ClinVar variation 4989810 (VCV004989810.1).